The following is an entry in ClinVar:

ClinVar aggregate classification (germline): Pathogenic. Review status: criteria provided, single submitter (1 of 4 stars). 2 submissions from 2 submitters: Pathogenic (1). 1 of the submissions does not count toward it. Last evaluated 2024-06-17.

Allele frequency attached by ClinVar (database versions not stated): gnomAD exomes below 0.00001.

Submissions (2):

Labcorp Genetics (formerly Invitae), Labcorp
Classification: Pathogenic. Last evaluated: 2024-06-17. Review status: criteria provided, single submitter. Criteria: Invitae Variant Classification Sherloc (09022015). Collection method: clinical testing. Allele origin: germline.
Comment: This sequence change creates a premature translational stop signal (p.Trp1542Leufs*16) in the COL4A4 gene. It is expected to result in an absent or disrupted protein product. Loss-of-function variants in COL4A4 are known to be pathogenic (PMID: 21196518, 24854265, 25307543). This variant is not present in population databases (gnomAD no frequency). This premature translational stop signal has been observed in individual(s) with Alport syndrome (PMID: 30586318). ClinVar contains an entry for this variant (Variation ID: 562352). For these reasons, this variant has been classified as Pathogenic.

Gharavi Laboratory, Columbia University
Classification: Pathogenic. Last evaluated: 2018-09-16. Review status: no assertion criteria provided. Criteria: ACMG Guidelines, 2015. Collection method: research. Allele origin: germline. Affected: yes. Not counted in ClinVar's aggregate classification.

Literature cited by the submitters: PubMed 21196518 (cited by Labcorp Genetics (formerly Invitae), Labcorp); PubMed 24854265 (cited by Labcorp Genetics (formerly Invitae), Labcorp); PubMed 25307543 (cited by Labcorp Genetics (formerly Invitae), Labcorp); PubMed 30586318 (cited by Labcorp Genetics (formerly Invitae), Labcorp).

NM_000092.5(COL4A4):c.4621_4624dup (p.Trp1542fs)

Gene: COL4A4 (collagen type IV alpha 4 chain; minus strand). Cytogenetic location: 2q36.3.
Variant type: Duplication.
Coding change: c.4621_4624dup on transcript NM_000092.5 (MANE Select); coding-DNA positions 4621 to 4624, 4 bases duplicated (TACT; older notation c.4621_4624dupTACT).
Protein change: p.Trp1542fs; shifts the reading frame from tryptophan 1542.
Molecular consequence: frameshift variant.
Genome position (GRCh38, 1-based): chr2:227,008,203-227,008,206, AGTA duplicated on the plus strand (TACT on the coding strand, the reverse complement: COL4A4 is on the minus strand). VCF-style (leftmost placement, unchanged base first): chr2-227008202-C-CAGTA. GRCh37 (hg19) VCF-style: chr2-227872918-C-CAGTA.
Other names: short protein forms W1542fs.
Identifiers: ClinVar variation 562352 (VCV000562352.4), dbSNP rs1559396675, ClinGen allele CA658821839.